The following is an entry in ClinVar:

ClinVar aggregate classification (germline): Uncertain significance. Review status: criteria provided, multiple submitters, no conflicts (2 of 4 stars). 2 submissions from 2 submitters: Uncertain significance (2). Last evaluated 2022-08-22.

Conditions:
Inborn genetic diseases. Identifiers: MedGen C0950123, MeSH D030342.

gnomAD v4.1: 1 of 1,464,576 alleles (0.000068%); highest among the groups gnomAD compares: Non-Finnish European, 0.000091%; no homozygotes.

Submissions (2):

Ambry Genetics
Classification: Uncertain significance for Inborn genetic diseases. Last evaluated: 2022-08-22. Review status: criteria provided, single submitter. Criteria: Ambry Variant Classification Scheme 2023. Collection method: clinical testing. Allele origin: germline.

Labcorp Genetics (formerly Invitae), Labcorp
Classification: Uncertain significance. Last evaluated: 2021-04-23. Review status: criteria provided, single submitter. Criteria: Invitae Variant Classification Sherloc (09022015). Collection method: clinical testing. Allele origin: germline.
Comment: This sequence change replaces valine with methionine at codon 11 of the FAM20C protein (p.Val11Met). The valine residue is weakly conserved and there is a small physicochemical difference between valine and methionine. The frequency data for this variant in the population databases is considered unreliable, as metrics indicate insufficient coverage at this position in the ExAC database. This variant has not been reported in the literature in individuals with FAM20C-related conditions. Algorithms developed to predict the effect of missense changes on protein structure and function are either unavailable or do not agree on the potential impact of this missense change (SIFT: "Deleterious"; PolyPhen-2: "Probably Damaging"; Align-GVGD: "Class C0"). In summary, the available evidence is currently insufficient to determine the role of this variant in disease. Therefore, it has been classified as a Variant of Uncertain Significance.

NM_020223.4(FAM20C):c.31G>A (p.Val11Met)

Gene: FAM20C (FAM20C golgi associated secretory pathway kinase; plus strand). Cytogenetic location: 7p22.3.
Variant type: single nucleotide variant.
Coding change: c.31G>A on transcript NM_020223.4 (MANE Select); coding-DNA position 31, G replaced by A.
Protein change: p.Val11Met; replaces valine 11 with methionine.
Molecular consequence: missense variant.
Genome position (GRCh38, 1-based): chr7:193,230, G>A. VCF-style: chr7-193230-G-A. GRCh37 (hg19) VCF-style: chr7-193230-G-A.
Other names: c.31G>A (NM_020223.2); short protein forms V11M.
Identifiers: ClinVar variation 1369932 (VCV001369932.8), dbSNP rs1367064980, ClinGen allele CA366522065.
Genomic context (GRCh38, chr7:193,230, plus strand): 5'-CGCTCCAGGCCCGGGCCGGCCCGCGCGGCCATGAAGATGATGCTGGTGCGCCGGTTCCGC[G>A]TGCTCATCCTGATGGTGTTCCTGGTGGCCTGCGCGCTGCACATCGCCCTGGACCTGCTGC-3'
Protein context (NP_064608.2, residues 1-21): MKMMLVRRFR[Val11Met]LILMVFLVAC